The following is an entry in ClinVar:

ClinVar aggregate classification (germline): Uncertain significance. Review status: criteria provided, multiple submitters, no conflicts (2 of 4 stars). 4 submissions from 4 submitters: Uncertain significance (4). Last evaluated 2025-12-13.

Conditions:
Hereditary spastic paraplegia 47. Also called: CEREBRAL PALSY, SPASTIC QUADRIPLEGIC, 5; adaptor protein 4 (AP-4) deficiency syndrome; Spastic paraplegia 47, autosomal recessive. Identifiers: Orphanet 280763, MedGen C3279738, MONDO:0013551, OMIM 614066.
Inborn genetic diseases. Identifiers: MedGen C0950123, MeSH D030342.

gnomAD v4.1: 1 of 1,614,158 alleles (0.000062%); highest among the groups gnomAD compares: Admixed American, 0.0017%; no homozygotes.

Submissions (4):

Dasa
Classification: Uncertain significance. Last evaluated: 2025-12-13. Review status: criteria provided, single submitter. Criteria: DASA Assertion Criteria. Collection method: clinical testing. Allele origin: germline.
Comment: NM_001253852.3(AP4B1):c.1331G>A (p.Gly444Asp) is a missense variant that results in the substitution of glycine with aspartic acid. This variant has been observed in affected individuals with AP4B1-related disorders. Also, this variant is rare in population databases. Computational prediction algorithms are consistent with a deleterious effect. The currently available literature and clinical evidence are not sufficient to establish a definitive association between this variant and the reported condition. Therefore, this variant is classified as a variant of uncertain significance.

Ambry Genetics
Classification: Uncertain significance for Inborn genetic diseases. Last evaluated: 2025-05-23. Review status: criteria provided, single submitter. Criteria: Ambry Variant Classification Scheme 2023. Collection method: clinical testing. Allele origin: germline.

Labcorp Genetics (formerly Invitae), Labcorp
Classification: Uncertain significance for Hereditary spastic paraplegia 47. Last evaluated: 2024-10-23. Review status: criteria provided, single submitter. Criteria: Invitae Variant Classification Sherloc (09022015). Collection method: clinical testing. Allele origin: germline.
Comment: This sequence change replaces glycine, which is neutral and non-polar, with aspartic acid, which is acidic and polar, at codon 444 of the AP4B1 protein (p.Gly444Asp). This variant is not present in population databases (gnomAD no frequency). This variant has not been reported in the literature in individuals affected with AP4B1-related conditions. ClinVar contains an entry for this variant (Variation ID: 2179468). Invitae Evidence Modeling of protein sequence and biophysical properties (such as structural, functional, and spatial information, amino acid conservation, physicochemical variation, residue mobility, and thermodynamic stability) indicates that this missense variant is expected to disrupt AP4B1 protein function with a positive predictive value of 80%. In summary, the available evidence is currently insufficient to determine the role of this variant in disease. Therefore, it has been classified as a Variant of Uncertain Significance.

Genome-Nilou Lab
Classification: Uncertain significance for Hereditary spastic paraplegia 47. Last evaluated: 2023-04-11. Review status: criteria provided, single submitter. Criteria: ACMG Guidelines, 2015. Collection method: clinical testing. Allele origin: germline. Affected: no.

NM_001253852.3(AP4B1):c.1331G>A (p.Gly444Asp)

Genes: AP4B1 (adaptor related protein complex 4 subunit beta 1; minus strand), AP4B1-AS1 (AP4B1 antisense RNA 1; plus strand). Cytogenetic location: 1p13.2.
Variant type: single nucleotide variant.
Coding change: c.1331G>A on transcript NM_001253852.3 (MANE Select); coding-DNA position 1331, G replaced by A.
Protein change: p.Gly444Asp; replaces glycine 444 with aspartic acid.
Molecular consequence: missense variant.
Genome position (GRCh38, 1-based): chr1:113,896,437, C>T on the plus strand (G>A on the coding strand, the complement: AP4B1 is on the minus strand). VCF-style: chr1-113896437-C-T. GRCh37 (hg19) VCF-style: chr1-114439059-C-T.
Other names: c.1034G>A, p.Gly345Asp (NM_001253853.3); c.827G>A, p.Gly276Asp (NM_001308312.2); c.1331G>A, p.Gly444Asp (NM_006594.5); c.1331G>A (NM_006594.2); short protein forms G444D, G345D, G276D.
Identifiers: ClinVar variation 2179468 (VCV002179468.9), dbSNP rs1345004647, ClinGen allele CA341710581.
Genomic context (GRCh38, chr1:113,896,437, plus strand): 5'-ACATTCTCAACAAAGTCCTCTAACACATAAGGAGCATTAGGAATTCTTTCCCCATGGACA[C>T]CAAGTAGCCAAATAAGTGCTTGCTTCCCCTAGAGAATAAAGGAATAAGAGCAAGTGCTCA-3'
Protein context (NP_001240781.1, residues 434-454): EGKQALIWLL[Gly444Asp]VHGERIPNAP